The following is an entry in ClinVar:

NM_133510.4(RAD51B):c.661G>T (p.Asp221Tyr)

Gene: RAD51B (RAD51 paralog B; plus strand). Cytogenetic location: 14q24.1.
Variant type: single nucleotide variant.
Coding change: c.661G>T on transcript NM_133510.4 (MANE Select); coding-DNA position 661, G replaced by T.
Protein change: p.Asp221Tyr; replaces aspartic acid 221 with tyrosine.
Molecular consequence: missense variant.
Genome position (GRCh38, 1-based): chr14:67,887,109, G>T. VCF-style: chr14-67887109-G-T. GRCh37 (hg19) VCF-style: chr14-68353826-G-T.
Other names: c.661G>T, p.Asp221Tyr (NM_001321809.2, NM_001321810.2, NM_001321812.1 and 6 more transcripts); c.547G>T, p.Asp183Tyr (NM_001321815.1); c.304G>T, p.Asp102Tyr (NM_001321817.2); short protein forms D102Y, D183Y, D221Y.
Identifiers: ClinVar variation 4862921 (VCV004862921.1).

ClinVar aggregate classification (germline): Uncertain significance (1 of 4 stars; one submission).

Submission:

Ambry Genetics
Classification: Uncertain significance. Last evaluated: 2026-06-06. Review status: criteria provided, single submitter. Criteria: Ambry Variant Classification Scheme 2023. Collection method: clinical testing. Allele origin: germline.
Comment: The p.D221Y variant (also known as c.661G>T), located in coding exon 6 of the RAD51B gene, results from a G to T substitution at nucleotide position 661. The aspartic acid at codon 221 is replaced by tyrosine, an amino acid with highly dissimilar properties. This amino acid position is conserved. In addition, the in silico prediction for this alteration is inconclusive. Based on the available evidence, the clinical significance of this variant remains unclear.